The following is an entry in ClinVar:

ClinVar aggregate classification (germline): Pathogenic (1 of 4 stars; one submission).

Conditions:
Early-infantile DEE. Also called: Ohtahara syndrome; Early infantile epileptic encephalopathy; Early infantile epileptic encephalopathy with suppression bursts. Identifiers: Orphanet 1934, MedGen C0393706, MONDO:0800491.

Submission:

Labcorp Genetics (formerly Invitae), Labcorp
Classification: Pathogenic for Early-infantile DEE. Last evaluated: 2024-02-23. Review status: criteria provided, single submitter. Criteria: Invitae Variant Classification Sherloc (09022015). Collection method: clinical testing. Allele origin: germline.
Comment: This sequence change replaces tryptophan, which is neutral and slightly polar, with serine, which is neutral and polar, at codon 1812 of the SCN1A protein (p.Trp1812Ser). This variant is not present in population databases (gnomAD no frequency). This missense change has been observed in individual(s) with clinical features of SCN1A-related conditions and/or Dravet syndrome (PMID: 18930999; Invitae). In at least one individual the variant was observed to be de novo. ClinVar contains an entry for this variant (Variation ID: 1036382). Advanced modeling of protein sequence and biophysical properties (such as structural, functional, and spatial information, amino acid conservation, physicochemical variation, residue mobility, and thermodynamic stability) performed at Invitae indicates that this missense variant is expected to disrupt SCN1A protein function with a positive predictive value of 95%. For these reasons, this variant has been classified as Pathogenic.

Literature cited by the submitters: PubMed 18930999.

NM_001165963.4(SCN1A):c.5435G>C (p.Trp1812Ser)

Genes: SCN1A (sodium voltage-gated channel alpha subunit 1; minus strand), LOC102724058 (uncharacterized LOC102724058; plus strand). Cytogenetic location: 2q24.3.
Variant type: single nucleotide variant.
Coding change: c.5435G>C on transcript NM_001165963.4 (MANE Select); coding-DNA position 5435, G replaced by C.
Protein change: p.Trp1812Ser; replaces tryptophan 1812 with serine.
Molecular consequence: missense variant. On other transcripts: non-coding transcript variant (1).
Genome position (GRCh38, 1-based): chr2:165,991,840, C>G on the plus strand (G>C on the coding strand, the complement: SCN1A is on the minus strand). VCF-style: chr2-165991840-C-G. GRCh37 (hg19) VCF-style: chr2-166848350-C-G.
Other names: c.5351G>C, p.Trp1784Ser (NM_001165964.3, NM_001353957.2, NM_001353958.2); c.5435G>C, p.Trp1812Ser (NM_001202435.3, NM_001353948.2); c.5402G>C, p.Trp1801Ser (NM_001353949.2, NM_001353950.2, NM_001353951.2 and 2 more transcripts); c.5399G>C, p.Trp1800Ser (NM_001353954.2, NM_001353955.2); c.5348G>C, p.Trp1783Ser (NM_001353960.2); c.2993G>C, p.Trp998Ser (NM_001353961.2); short protein forms W1800S, W1801S, W1784S, W1812S, W1783S, W998S.
Identifiers: ClinVar variation 1036382 (VCV001036382.9), dbSNP rs796053040, ClinGen allele CA349067588.
Genomic context (GRCh38, chr2:165,991,840, plus strand): 5'-GCAAACTGAGATAATTTTTCAAATTCCATGAACTGAGTTGCATCGGGATCAAACTTCTCC[C>G]AAACCTCATAGAACATCTCAAAGTCATCCTCACTCAGAGGCTCTGCACTTTCTTCAGTAG-3'
Protein context (NP_001159435.1, residues 1802-1822): EDDFEMFYEV[Trp1812Ser]EKFDPDATQF